The following is an entry in ClinVar:

ClinVar aggregate classification (germline): Benign/Likely benign. Review status: criteria provided, multiple submitters, no conflicts (2 of 4 stars). 6 submissions from 6 submitters: Benign (1); Likely benign (4). 1 of the submissions does not count toward it. Last evaluated 2024-11-05.

Conditions:
Schuurs-Hoeijmakers syndrome. Also called: PACS1-Related Neurodevelopmental Disorder. Identifiers: Orphanet 329224, MedGen C3554343, MONDO:0014006, OMIM 615009.
PACS1-related disorder. Also called: PACS1-related condition.
Inborn genetic diseases. Identifiers: MedGen C0950123, MeSH D030342.

Submissions (6):

Blueprint Genetics
Classification: Likely benign. Last evaluated: 2024-11-05. Review status: criteria provided, single submitter. Criteria: ACMG Guidelines, 2015. Collection method: clinical testing. Allele origin: germline.

Fulgent Genetics
Classification: Likely benign for Schuurs-Hoeijmakers syndrome. Last evaluated: 2022-03-02. Review status: criteria provided, single submitter. Criteria: ACMG Guidelines, 2015. Collection method: clinical testing. Allele origin: unknown.

Ambry Genetics
Classification: Likely benign for Inborn genetic diseases. Last evaluated: 2021-11-09. Review status: criteria provided, single submitter. Criteria: Ambry Variant Classification Scheme 2023. Collection method: clinical testing. Allele origin: germline.

GeneDx
Classification: Benign. Last evaluated: 2021-04-30. Review status: criteria provided, single submitter. Criteria: GeneDx Variant Classification Process June 2021. Collection method: clinical testing. Allele origin: germline. Affected: yes.

Genetic Services Laboratory, University of Chicago
Classification: Likely benign. Last evaluated: 2020-05-12. Review status: criteria provided, single submitter. Criteria: ACMG Guidelines, 2015. Collection method: clinical testing. Allele origin: germline. Affected: no.

PreventionGenetics, part of Exact Sciences
Classification: Likely benign for PACS1-related condition. Last evaluated: 2023-09-15. Review status: no assertion criteria provided. Collection method: clinical testing. Allele origin: germline. Not counted in ClinVar's aggregate classification.
Comment: This variant is classified as likely benign based on ACMG/AMP sequence variant interpretation guidelines (Richards et al. 2015 PMID: 25741868, with internal and published modifications).

NM_018026.4(PACS1):c.110_133dup (p.Gln37_Gln44dup)

Gene: PACS1 (phosphofurin acidic cluster sorting protein 1; plus strand). Cytogenetic location: 11q13.1.
Variant type: Duplication.
Coding change: c.110_133dup on transcript NM_018026.4 (MANE Select); coding-DNA positions 110 to 133, 24 bases duplicated (AGCAGCAGCAGCCGCCGCAGCAGC).
Protein change: p.Gln37_Gln44dup.
Molecular consequence: inframe insertion.
Genome position (GRCh38, 1-based): chr11:66,070,596-66,070,619, AGCAGCAGCAGCCGCCGCAGCAGC duplicated; duplicating any 24 consecutive bases within chr11:66,070,582-66,070,619 gives the same sequence; the c. name uses the placement nearest the transcript's 3' end. VCF-style (leftmost placement, unchanged base first): chr11-66070581-C-CGCCGCCGCAGCAGCAGCAGCAGCA. GRCh37 (hg19) VCF-style: chr11-65838052-C-CGCCGCCGCAGCAGCAGCAGCAGCA.
Other names: c.110_133dup24 (NM_018026.3).
Identifiers: ClinVar variation 1235931 (VCV001235931.13), dbSNP rs756417166, ClinGen allele CA6116162.